The following is an entry in ClinVar:

ClinVar aggregate classification (germline): Uncertain significance (1 of 4 stars; one submission).

Submission:

GeneDx
Classification: Uncertain significance. Last evaluated: 2026-02-26. Review status: criteria provided, single submitter. Criteria: GeneDx Variant Classification Process June 2021. Collection method: clinical testing. Allele origin: germline.
Comment: Not observed at significant frequency in large population cohorts (gnomAD); In silico analysis suggests that this missense variant does not alter protein structure/function; Has not been previously published as pathogenic or benign to our knowledge.

NM_015559.3(SETBP1):c.685G>C (p.Gly229Arg)

Gene: SETBP1 (SET binding protein 1; plus strand). Cytogenetic location: 18q12.3.
Variant type: single nucleotide variant.
Coding change: c.685G>C on transcript NM_015559.3 (MANE Select); coding-DNA position 685, G replaced by C.
Protein change: p.Gly229Arg; replaces glycine 229 with arginine.
Molecular consequence: missense variant.
Genome position (GRCh38, 1-based): chr18:44,950,025, G>C. VCF-style: chr18-44950025-G-C. GRCh37 (hg19) VCF-style: chr18-42529990-G-C.
Other names: c.685G>C, p.Gly229Arg (NM_001379141.1, NM_001379142.1, NM_001410862.1); short protein forms G229R.
Identifiers: ClinVar variation 4976603 (VCV004976603.1).